The following is an entry in ClinVar:

ClinVar aggregate classification (germline): Pathogenic (1 of 4 stars; one submission).

Conditions:
Cornelia de Lange syndrome 1 (CDLS1). Also called: NIPBL-Related Cornelia de Lange Syndrome; Brachmann de Lange syndrome; TYPUS DEGENERATIVUS AMSTELODAMENSIS. Identifiers: Orphanet 199, MedGen C4551851, MONDO:0007387, OMIM 122470.

Submission:

Rady Children's Institute for Genomic Medicine, Rady Children's Hospital San Diego
Classification: Pathogenic for CORNELIA DE LANGE SYNDROME 1. Last evaluated: 2019-01-25. Review status: criteria provided, single submitter. Criteria: ACMG Guidelines, 2015. Collection method: clinical testing. Allele origin: germline. Affected: yes. Observed: 1 variant allele.
Comment: This frameshifting variant in exon 10 of 47 introduces a premature stop codon and is therefore predicted to result in loss of normal protein function. This variant has not been previously reported or functionally characterized in the literature to our knowledge. It is absent from the ExAC and gnomAD population databases and thus is presumed to be rare. Several pathogenic frameshift variants in nearby residues have been reported in the Human Gene Mutation Database in association with Cornelia de Lange syndrome, supporting similar effects are deleterious. Based on the available evidence, the c.2291del (p.Asn764IlefsTer30) variant is classified as pathogenic.

NM_133433.4(NIPBL):c.2291del (p.Asn764fs)

Gene: NIPBL (NIPBL cohesin loading factor; plus strand). Cytogenetic location: 5p13.2.
Variant type: Deletion.
Coding change: c.2291del on transcript NM_133433.4 (MANE Select); coding-DNA position 2291, one base deleted (A; older notation c.2291delA).
Protein change: p.Asn764fs; shifts the reading frame from asparagine 764.
Molecular consequence: frameshift variant.
Genome position (GRCh38, 1-based): chr5:36,985,471, A deleted; the last of 2 consecutive A bases (chr5:36,985,470-36,985,471); deleting either gives the same sequence. VCF-style (leftmost placement, unchanged base first): chr5-36985469-CA-C. GRCh37 (hg19) VCF-style: chr5-36985571-CA-C.
Other names: c.2291del, p.Asn764fs (NM_015384.5); short protein forms N764fs.
Identifiers: ClinVar variation 692070 (VCV000692070.1), dbSNP rs1580396767, ClinGen allele CA915943327.